The following is an entry in ClinVar:

ClinVar aggregate classification (germline): Uncertain significance (1 of 4 stars; one submission).

Submission:

Women's Health and Genetics/Laboratory Corporation of America, LabCorp
Classification: Uncertain significance. Last evaluated: 2026-02-03. Review status: criteria provided, single submitter. Criteria: LabCorp Variant Classification Summary - May 2015. Collection method: clinical testing. Allele origin: germline.
Comment: Variant summary: DSE c.2459A>G (p.Asp820Gly) results in a non-conservative amino acid change in the encoded protein sequence. Algorithms developed to predict the effect of missense changes on protein structure and function are either unavailable or do not agree on the potential impact of this missense change. The variant was absent in 250946 control chromosomes. The available data on variant occurrences in the general population are insufficient to allow any conclusion about variant significance. To our knowledge, no occurrence of c.2459A>G in individuals affected with DSE-related conditions and no experimental evidence demonstrating its impact on protein function have been reported. No submitters have cited clinical-significance assessments for this variant to ClinVar. Based on the evidence outlined above, the variant was classified as uncertain significance.

NM_013352.4(DSE):c.2459A>G (p.Asp820Gly)

Gene: DSE (dermatan sulfate epimerase; plus strand). Cytogenetic location: 6q22.1.
Variant type: single nucleotide variant.
Coding change: c.2459A>G on transcript NM_013352.4 (MANE Select); coding-DNA position 2459, A replaced by G.
Protein change: p.Asp820Gly; replaces aspartic acid 820 with glycine.
Molecular consequence: missense variant. On other transcripts: 3 prime UTR variant (2), non-coding transcript variant (1).
Genome position (GRCh38, 1-based): chr6:116,436,927, A>G. VCF-style: chr6-116436927-A-G. GRCh37 (hg19) VCF-style: chr6-116758090-A-G.
Other names: c.2459A>G, p.Asp820Gly (NM_001080976.3, NM_001322937.2, NM_001322938.2); c.2516A>G, p.Asp839Gly (NM_001322939.2); c.1898A>G, p.Asp633Gly (NM_001322940.2, NM_001322941.2); c.*1324A>G (NM_001322943.2, NM_001322944.2); c.1460A>G, p.Asp487Gly (NM_001374520.1); c.1424A>G, p.Asp475Gly (NM_001374521.1); short protein forms D475G, D487G, D633G, D820G, D839G.
Identifiers: ClinVar variation 4848095 (VCV004848095.1).